The following is an entry in ClinVar:

ClinVar aggregate classification (germline): Uncertain significance (1 of 4 stars; one submission).

Submission:

GeneDx
Classification: Uncertain significance. Last evaluated: 2021-12-06. Review status: criteria provided, single submitter. Criteria: GeneDx Variant Classification Process June 2021. Collection method: clinical testing. Allele origin: germline. Affected: yes.
Comment: Not observed in large population cohorts (Lek et al., 2016); In silico analysis supports that this missense variant has a deleterious effect on protein structure/function; Has not been previously published as pathogenic or benign to our knowledge

NM_002470.4(MYH3):c.1261G>T (p.Val421Phe)

Gene: MYH3 (myosin heavy chain 3; minus strand). Cytogenetic location: 17p13.1.
Variant type: single nucleotide variant.
Coding change: c.1261G>T on transcript NM_002470.4 (MANE Select); coding-DNA position 1261, G replaced by T.
Protein change: p.Val421Phe; replaces valine 421 with phenylalanine.
Molecular consequence: missense variant.
Genome position (GRCh38, 1-based): chr17:10,644,500, C>A on the plus strand (G>T on the coding strand, the complement: MYH3 is on the minus strand). VCF-style: chr17-10644500-C-A. GRCh37 (hg19) VCF-style: chr17-10547817-C-A.
Other names: short protein forms V421F.
Identifiers: ClinVar variation 1327746 (VCV001327746.2), dbSNP rs2142408258, ClinGen allele CA398175208.